The following is an entry in ClinVar:

ClinVar aggregate classification (germline): Likely benign. Review status: criteria provided, multiple submitters, no conflicts (2 of 4 stars). 2 submissions from 2 submitters: Likely benign (2). Last evaluated 2026-08-01.

Submissions (2):

CeGaT Center for Human Genetics Tuebingen
Classification: Likely benign. Last evaluated: 2026-08-01. Review status: criteria provided, single submitter. Criteria: CeGaT Center For Human Genetics Tuebingen Variant Classification Criteria Version 2. Collection method: clinical testing. Allele origin: germline. Affected: yes. Observed: 1 variant allele.
Comment: ATXN3: BS1

Blueprint Genetics
Classification: Likely benign. Last evaluated: 2024-11-27. Review status: criteria provided, single submitter. Criteria: ACMG Guidelines, 2015. Collection method: clinical testing. Allele origin: germline.

NM_004993.6(ATXN3):c.892CAG[22] (p.Gln305_Gly306insGlnGlnGlnGlnGlnGlnGlnGlnGlnGlnGlnGlnGlnGln)

Genes: ATXN3 (ataxin 3; minus strand), LOC108663987 (ataxin 3 repeat instability region; plus strand). Cytogenetic location: 14q32.12.
Variant type: Microsatellite.
Coding change: c.892CAG[22] on transcript NM_004993.6 (MANE Select); 22 copies in a row of the 3-base unit CAG starting at c.892.
Protein change: p.Gln305_Gly306insGlnGlnGlnGlnGlnGlnGlnGlnGlnGlnGlnGlnGlnGln.
Molecular consequence: non-coding transcript variant (on NR_028453.2).
Genome position: GRCh38, VCF-style position (the base before the change): chr14:92,071,010. GRCh37 (hg19), VCF-style position (the base before the change): chr14:92,537,354.
Other names: c.847CAG[22], p.Gln290_Gly291insGlnGlnGlnGlnGlnGlnGlnGlnGlnGlnGlnGlnGlnGln (NM_001127696.2); c.739CAG[22], p.Gln254_Gly255insGlnGlnGlnGlnGlnGlnGlnGlnGlnGlnGlnGlnGlnGln (NM_001127697.3); c.209CAG[22], p.Ala77_Gly78insAlaAlaAlaAlaAlaAlaAlaAlaAlaAlaAlaAlaAlaAla (NM_001164774.2); c.254CAG[22], p.Ala92_Gly93insAlaAlaAlaAlaAlaAlaAlaAlaAlaAlaAlaAlaAlaAla (NM_001164776.2); c.89CAG[22], p.Ala37_Gly38insAlaAlaAlaAlaAlaAlaAlaAlaAlaAlaAlaAlaAlaAla (NM_001164777.2); c.407CAG[22], p.Ala143_Gly144insAlaAlaAlaAlaAlaAlaAlaAlaAlaAlaAlaAlaAlaAla (NM_001164778.2); c.529CAG[22], p.Gln184_Gly185insGlnGlnGlnGlnGlnGlnGlnGlnGlnGlnGlnGlnGlnGln (NM_001164779.2); c.355CAG[22], p.Gln126_Gly127insGlnGlnGlnGlnGlnGlnGlnGlnGlnGlnGlnGlnGlnGln (NM_001164780.2); and 3 more.
Identifiers: ClinVar variation 4922929 (VCV004922929.2).